The following is an entry in ClinVar:

ClinVar aggregate classification (germline): Pathogenic (1 of 4 stars; one submission).

Submission:

Labcorp Genetics (formerly Invitae), Labcorp
Classification: Pathogenic. Last evaluated: 2022-06-19. Review status: criteria provided, single submitter. Criteria: Invitae Variant Classification Sherloc (09022015). Collection method: clinical testing. Allele origin: germline.
Comment: For these reasons, this variant has been classified as Pathogenic. This premature translational stop signal has been observed in individual(s) with clinical features of FAM20C-related conditions (PMID: 31130284). This variant is not present in population databases (gnomAD no frequency). This sequence change creates a premature translational stop signal (p.Glu166*) in the FAM20C gene. It is expected to result in an absent or disrupted protein product. Loss-of-function variants in FAM20C are known to be pathogenic (PMID: 17924334, 22615579, 22732358, 23325605, 25026495).

Literature cited by the submitters: PubMed 31130284; PubMed 17924334; PubMed 22615579; PubMed 22732358; PubMed 23325605; PubMed 25026495.

NM_020223.4(FAM20C):c.496G>T (p.Glu166Ter)

Gene: FAM20C (FAM20C golgi associated secretory pathway kinase; plus strand). Cytogenetic location: 7p22.3.
Variant type: single nucleotide variant.
Coding change: c.496G>T on transcript NM_020223.4 (MANE Select); coding-DNA position 496, G replaced by T.
Protein change: p.Glu166Ter; replaces glutamic acid 166 with a stop codon.
Molecular consequence: nonsense.
Genome position (GRCh38, 1-based): chr7:193,695, G>T. VCF-style: chr7-193695-G-T. GRCh37 (hg19) VCF-style: chr7-193695-G-T.
Other names: short protein forms E166*.
Identifiers: ClinVar variation 1910915 (VCV001910915.5), dbSNP rs1477874798, ClinGen allele CA366524148.